The following is an entry in ClinVar:

NM_001113378.2(FANCI):c.557T>C (p.Leu186Pro)

Gene: FANCI (FA complementation group I; plus strand). Cytogenetic location: 15q26.1.
Variant type: single nucleotide variant.
Coding change: c.557T>C on transcript NM_001113378.2 (MANE Select); coding-DNA position 557, T replaced by C.
Protein change: p.Leu186Pro; replaces leucine 186 with proline.
Molecular consequence: missense variant.
Genome position (GRCh38, 1-based): chr15:89,263,914, T>C. VCF-style: chr15-89263914-T-C. GRCh37 (hg19) VCF-style: chr15-89807145-T-C.
Other names: c.278T>C, p.Leu93Pro (NM_001376910.1); c.557T>C, p.Leu186Pro (NM_001376911.1, NM_018193.3); short protein forms L186P, L93P.
Identifiers: ClinVar variation 625938 (VCV000625938.2), dbSNP rs1370113722, ClinGen allele CA393738893.

ClinVar aggregate classification (germline): Uncertain significance (1 of 4 stars; one submission).

Conditions:
Fanconi anemia complementation group I (FANCI). Also called: FANCI-Related Fanconi Anemia. Identifiers: Orphanet 84, MedGen C1836861, MONDO:0012186, OMIM 609053.

Allele frequency attached by ClinVar (database versions not stated): gnomAD exomes below 0.00001; gnomAD 0.00001; TOPMed 0.00002.

Submission:

Center for Genomics, Ann and Robert H. Lurie Children's Hospital of Chicago
Classification: Uncertain significance for Fanconi anemia complementation group I. Last evaluated: 2021-09-17. Review status: criteria provided, single submitter. Criteria: ACMG Guidelines, 2015. Collection method: clinical testing. Allele origin: germline.
Comment: FANCI NM_001113378.1 exon 8 p.Leu186Pro (c.557T>C): This variant has not been reported in the literature but is present in 1/15304 African alleles in the Genome Aggregation Database. Evolutionary conservation and computational predictive tools suggest that this variant may impact the protein. In summary, data on this variant is insufficient for disease classification. Therefore, the clinical significance of this variant is uncertain.